The following is an entry in ClinVar:

ClinVar aggregate classification (germline): Uncertain significance (1 of 4 stars; one submission).

Conditions:
Neurodevelopmental disorder with speech impairment and with or without seizures. Also called: Neurodevelopmental disorder with variable intellectual disability and speech impairment, with or without seizures. Identifiers: MedGen C5774252, MONDO:0859313, OMIM 620114.

gnomAD v4.1: 1 of 1,526,270 alleles (0.000066%); highest among the groups gnomAD compares: Non-Finnish European, 0.000088%; no homozygotes.

Submission:

Dasa
Classification: Uncertain significance for neurodevelopmental disorder with speech impairment and with or without seizures. Last evaluated: 2025-07-12. Review status: criteria provided, single submitter. Criteria: DASA Assertion Criteria. Collection method: clinical testing. Allele origin: germline.
Comment: NM_021096.4(CACNA1I):c.3070G>A (p.Glu1024Lys) is a missense variant that results in the substitution of glutamic acid with lysine. This variant is rare in population databases. Computational prediction algorithms are consistent with a benign effect. The currently available literature and clinical evidence are not sufficient to establish a definitive association between this variant and the reported condition. Therefore, this variant is classified as a variant of uncertain significance.

NM_021096.4(CACNA1I):c.3070G>A (p.Glu1024Lys)

Gene: CACNA1I (calcium voltage-gated channel subunit alpha1 I; plus strand). Cytogenetic location: 22q13.1.
Variant type: single nucleotide variant.
Coding change: c.3070G>A on transcript NM_021096.4 (MANE Select); coding-DNA position 3070, G replaced by A.
Protein change: p.Glu1024Lys; replaces glutamic acid 1024 with lysine.
Molecular consequence: missense variant.
Genome position (GRCh38, 1-based): chr22:39,662,133, G>A. VCF-style: chr22-39662133-G-A. GRCh37 (hg19) VCF-style: chr22-40058138-G-A.
Other names: c.2965G>A, p.Glu989Lys (NM_001003406.2); short protein forms E1024K, E989K.
Identifiers: ClinVar variation 4883765 (VCV004883765.2).